The following is an entry in ClinVar:

ClinVar aggregate classification (germline): Likely pathogenic (1 of 4 stars; one submission).

Conditions:
TRIP12-related disorder. Also called: TRIP12-related condition.

Submission:

PreventionGenetics, part of Exact Sciences
Classification: Likely pathogenic for TRIP12-related condition. Last evaluated: 2026-03-17. Review status: criteria provided, single submitter. Criteria: ACMG Guidelines, 2015. Collection method: clinical testing. Allele origin: germline.
Comment: The TRIP12 c.3355_3358dupAGTG variant is predicted to result in a frameshift and premature protein termination (p.Gly1120Glufs*15). To our knowledge, this variant has not been reported in the literature or in a large population database (gnomAD), indicating this variant is rare. Frameshift variants in TRIP12 are expected to be pathogenic. This variant is interpreted as likely pathogenic.

NM_001348323.3(TRIP12):c.3436_3439dup (p.Gly1147fs)

Gene: TRIP12 (thyroid hormone receptor interactor 12; minus strand). Cytogenetic location: 2q36.3.
Variant type: Duplication.
Coding change: c.3436_3439dup on transcript NM_001348323.3 (MANE Select); coding-DNA positions 3436 to 3439, 4 bases duplicated (AGTG; older notation c.3436_3439dupAGTG).
Protein change: p.Gly1147fs; shifts the reading frame from glycine 1147.
Molecular consequence: frameshift variant.
Genome position (GRCh38, 1-based): chr2:229,798,918-229,798,921, CACT duplicated on the plus strand (AGTG on the coding strand, the reverse complement: TRIP12 is on the minus strand). VCF-style (leftmost placement, unchanged base first): chr2-229798917-C-CCACT. GRCh37 (hg19) VCF-style: chr2-230663633-C-CCACT.
Other names: c.3355_3358dup, p.Gly1120fs (NM_001284214.2, NM_001348315.2); c.3310_3313dup, p.Gly1105fs (NM_001284215.2, NM_001348316.2, NM_001348317.1 and 1 more transcripts); c.2401_2404dup, p.Gly802fs (NM_001284216.2); c.3436_3439dup, p.Gly1147fs (NM_001348319.1, NM_001348320.2, NM_001348322.1 and 4 more transcripts); c.3439_3442dup, p.Gly1148fs (NM_001348321.1, NM_001348328.1, NM_001348329.2 and 1 more transcripts); c.3229_3232dup, p.Gly1078fs (NM_001348331.1); c.3349_3352dup, p.Gly1118fs (NM_001348332.1); c.3358_3361dup, p.Gly1121fs (NM_001348333.1); and 1 more; short protein forms G1072fs, G1120fs, G1148fs, G1118fs, G1121fs, G1147fs, G1078fs, G1105fs.
Identifiers: ClinVar variation 4994039 (VCV004994039.1).